The following is an entry in ClinVar:

ClinVar aggregate classification (germline): Likely benign (1 of 4 stars; one submission).

gnomAD v4.1: 6 of 1,614,088 alleles (0.00037%); highest among the groups gnomAD compares: South Asian, 0.0033%; no homozygotes.

Submission:

CeGaT Center for Human Genetics Tuebingen
Classification: Likely benign. Last evaluated: 2026-03-01. Review status: criteria provided, single submitter. Criteria: CeGaT Center For Human Genetics Tuebingen Variant Classification Criteria Version 2. Collection method: clinical testing. Allele origin: germline. Affected: yes. Observed: 1 variant allele.
Comment: TUBGCP4: BP4, BP7

NM_014444.5(TUBGCP4):c.1257G>A (p.Glu419=)

Gene: TUBGCP4 (tubulin gamma complex component 4; plus strand). Cytogenetic location: 15q15.3.
Variant type: single nucleotide variant.
Coding change: c.1257G>A on transcript NM_014444.5 (MANE Select); coding-DNA position 1257, G replaced by A.
Protein change: p.Glu419=; no amino-acid change (glutamic acid 419 retained).
Molecular consequence: synonymous variant.
Genome position (GRCh38, 1-based): chr15:43,397,299, G>A. VCF-style: chr15-43397299-G-A. GRCh37 (hg19) VCF-style: chr15-43689497-G-A.
Other names: c.1257G>A, p.Glu419= (NM_001286414.3).
Identifiers: ClinVar variation 4822159 (VCV004822159.4).